The following is an entry in ClinVar:

NM_001008801.2(ZNF468):c.1287C>T (p.His429=)

Gene: ZNF468 (zinc finger protein 468; minus strand). Cytogenetic location: 19q13.41.
Variant type: single nucleotide variant.
Coding change: c.1287C>T on transcript NM_001008801.2 (MANE Select); coding-DNA position 1287, C replaced by T.
Protein change: p.His429=; no amino-acid change (histidine 429 retained).
Molecular consequence: synonymous variant. On other transcripts: 3 prime UTR variant (1), non-coding transcript variant (3).
Genome position (GRCh38, 1-based): chr19:52,841,007, G>A on the plus strand (C>T on the coding strand, the complement: ZNF468 is on the minus strand). VCF-style: chr19-52841007-G-A. GRCh37 (hg19) VCF-style: chr19-53344260-G-A.
Other names: c.*1021C>T (NM_001277120.2).
Identifiers: ClinVar variation 3388308 (VCV003388308.14).

ClinVar aggregate classification (germline): Likely benign (1 of 4 stars; one submission).

Submission:

CeGaT Center for Human Genetics Tuebingen
Classification: Likely benign. Last evaluated: 2026-08-01. Review status: criteria provided, single submitter. Criteria: CeGaT Center For Human Genetics Tuebingen Variant Classification Criteria Version 2. Collection method: clinical testing. Allele origin: germline. Affected: yes. Observed: 3 variant alleles.
Comment: ZNF468: BP4, BP7